The following is an entry in ClinVar:

ClinVar aggregate classification (germline): Uncertain significance (1 of 4 stars; one submission).

Conditions:
Severe combined immunodeficiency due to DNA-PKcs deficiency. Also called: IMMUNODEFICIENCY 26 WITH NEUROLOGIC ABNORMALITIES; Immunodeficiency 26 with or without neurologic abnormalities. Identifiers: Orphanet 317425, MedGen C4014833, MONDO:0014423, OMIM 615966.

Submission:

Labcorp Genetics (formerly Invitae), Labcorp
Classification: Uncertain significance for Severe combined immunodeficiency due to DNA-PKcs deficiency. Last evaluated: 2024-12-17. Review status: criteria provided, single submitter. Criteria: Invitae Variant Classification Sherloc (09022015). Collection method: clinical testing. Allele origin: germline.
Comment: This sequence change replaces serine, which is neutral and polar, with cysteine, which is neutral and slightly polar, at codon 2174 of the PRKDC protein (p.Ser2174Cys). This variant is not present in population databases (gnomAD no frequency). This variant has not been reported in the literature in individuals affected with PRKDC-related conditions. Invitae Evidence Modeling of protein sequence and biophysical properties (such as structural, functional, and spatial information, amino acid conservation, physicochemical variation, residue mobility, and thermodynamic stability) indicates that this missense variant is not expected to disrupt PRKDC protein function with a negative predictive value of 80%. In summary, the available evidence is currently insufficient to determine the role of this variant in disease. Therefore, it has been classified as a Variant of Uncertain Significance.

NM_006904.7(PRKDC):c.6521C>G (p.Ser2174Cys)

Gene: PRKDC (protein kinase, DNA-activated, catalytic subunit; minus strand). Cytogenetic location: 8q11.21.
Variant type: single nucleotide variant.
Coding change: c.6521C>G on transcript NM_006904.7 (MANE Select); coding-DNA position 6521, C replaced by G.
Protein change: p.Ser2174Cys; replaces serine 2174 with cysteine.
Molecular consequence: missense variant.
Genome position (GRCh38, 1-based): chr8:47,857,244, G>C on the plus strand (C>G on the coding strand, the complement: PRKDC is on the minus strand). VCF-style: chr8-47857244-G-C. GRCh37 (hg19) VCF-style: chr8-48769805-G-C.
Other names: c.6521C>G, p.Ser2174Cys (NM_001081640.2); short protein forms S2174C.
Identifiers: ClinVar variation 3688439 (VCV003688439.1).